The following is an entry in ClinVar:

NM_000285.4(PEPD):c.434T>C (p.Leu145Pro)

Gene: PEPD (peptidase D; minus strand). Cytogenetic location: 19q13.11.
Variant type: single nucleotide variant.
Coding change: c.434T>C on transcript NM_000285.4 (MANE Select); coding-DNA position 434, T replaced by C.
Protein change: p.Leu145Pro; replaces leucine 145 with proline.
Molecular consequence: missense variant.
Genome position (GRCh38, 1-based): chr19:33,493,297, A>G on the plus strand (T>C on the coding strand, the complement: PEPD is on the minus strand). VCF-style: chr19-33493297-A-G. GRCh37 (hg19) VCF-style: chr19-33984203-A-G.
Other names: c.434T>C, p.Leu145Pro (NM_001166056.2); c.242T>C, p.Leu81Pro (NM_001166057.2); short protein forms L81P, L145P.
Identifiers: ClinVar variation 4747470 (VCV004747470.1).

ClinVar aggregate classification (germline): Uncertain significance (1 of 4 stars; one submission).

Submission:

Labcorp Genetics (formerly Invitae), Labcorp
Classification: Uncertain significance. Last evaluated: 2025-06-11. Review status: criteria provided, single submitter. Criteria: Invitae Variant Classification Sherloc (09022015). Collection method: clinical testing. Allele origin: germline.
Comment: This sequence change replaces leucine, which is neutral and non-polar, with proline, which is neutral and non-polar, at codon 145 of the PEPD protein (p.Leu145Pro). This variant is not present in population databases (gnomAD no frequency). This variant has not been reported in the literature in individuals affected with PEPD-related conditions. Invitae Evidence Modeling of protein sequence and biophysical properties (such as structural, functional, and spatial information, amino acid conservation, physicochemical variation, residue mobility, and thermodynamic stability) has been performed for this missense variant. However, the output from this modeling did not meet the statistical confidence thresholds required to predict the impact of this variant on PEPD protein function. In summary, the available evidence is currently insufficient to determine the role of this variant in disease. Therefore, it has been classified as a Variant of Uncertain Significance.